The following is an entry in ClinVar:

NM_000038.6(APC):c.1357_1358del (p.Leu453fs)

Gene: APC (APC regulator of Wnt signaling pathway; plus strand). Cytogenetic location: 5q22.2.
Variant type: Deletion.
Coding change: c.1357_1358del on transcript NM_000038.6 (MANE Select); coding-DNA positions 1357 to 1358, 2 bases deleted (CT; older notation c.1357_1358delCT).
Protein change: p.Leu453fs; shifts the reading frame from leucine 453.
Molecular consequence: frameshift variant. On other transcripts: non-coding transcript variant (2).
Genome position (GRCh38, 1-based): chr5:112,821,940-112,821,941, CT deleted; deleting any 2 consecutive bases within chr5:112,821,939-112,821,941 gives the same sequence; the c. name uses the placement nearest the transcript's 3' end. VCF-style (leftmost placement, unchanged base first): chr5-112821938-TTC-T. GRCh37 (hg19) VCF-style: chr5-112157635-TTC-T.
Other names: c.1054_1055del, p.Leu352fs (NM_001407457.1, NM_001407458.1, NM_001407460.1 and 5 more transcripts); c.970_971del, p.Leu324fs (NM_001407469.1, NM_001407467.1); c.508_509del, p.Leu170fs (NM_001407470.1, NM_001354906.2); c.205_206del, p.Leu69fs (NM_001407471.1, NM_001407472.1); c.1357_1358del, p.Leu453fs (NM_001127510.3, NM_001354895.2, NM_001354896.2 and 4 more transcripts); c.1303_1304del, p.Leu435fs (NM_001127511.3); c.1387_1388del, p.Leu463fs (NM_001354897.2, NM_001407446.1); c.1282_1283del, p.Leu428fs (NM_001354898.2, NM_001407451.1); and 5 more; short protein forms L170fs, L293fs, L324fs, L327fs, L352fs, L362fs, L394fs, L425fs.
Identifiers: ClinVar variation 2583879 (VCV002583879.3), dbSNP rs2533108914, ClinGen allele CA2582341304.

ClinVar aggregate classification (germline): Pathogenic. Review status: criteria provided, multiple submitters, no conflicts (2 of 4 stars). 2 submissions from 2 submitters: Pathogenic (2). Last evaluated 2026-01-27.

Conditions:
Familial adenomatous polyposis 1 (FAP1). Also called: FAMILIAL ADENOMATOUS POLYPOSIS 1, ATTENUATED; POLYPOSIS, ADENOMATOUS INTESTINAL. Identifiers: MedGen C2713442, MONDO:0021056, OMIM 175100. Disease mechanism: loss of function.

Submissions (2):

Labcorp Genetics (formerly Invitae), Labcorp
Classification: Pathogenic for Familial adenomatous polyposis 1. Last evaluated: 2026-01-27. Review status: criteria provided, single submitter. Criteria: Invitae Variant Classification Sherloc (09022015). Collection method: clinical testing. Allele origin: germline.
Comment: This sequence change creates a premature translational stop signal (p.Leu453Asnfs*6) in the APC gene. It is expected to result in an absent or disrupted protein product. Loss-of-function variants in APC are known to be pathogenic (PMID: 17963004, 20685668). This variant is not present in population databases (gnomAD no frequency). This variant has not been reported in the literature in individuals affected with APC-related conditions. ClinVar contains an entry for this variant (Variation ID: 2583879). For these reasons, this variant has been classified as Pathogenic.

Myriad Genetics, Inc.
Classification: Pathogenic for Familial adenomatous polyposis 1. Last evaluated: 2023-05-01. Review status: criteria provided, single submitter. Criteria: Myriad Autosomal Dominant, Autosomal Recessive and X-Linked Classification Criteria (2023). Collection method: clinical testing. Allele origin: unknown.
Comment: This variant is considered pathogenic. This variant creates a frameshift predicted to result in premature protein truncation.

Literature cited by the submitters: PubMed 17963004 (cited by Labcorp Genetics (formerly Invitae), Labcorp); PubMed 20685668 (cited by Labcorp Genetics (formerly Invitae), Labcorp).